The following is an entry in ClinVar:

NM_000035.4(ALDOB):c.325-1G>T

Gene: ALDOB (aldolase, fructose-bisphosphate B; minus strand). Cytogenetic location: 9q31.1.
Variant type: single nucleotide variant.
Coding change: c.325-1G>T on transcript NM_000035.4 (MANE Select); the canonical splice acceptor site of the intron before coding-DNA position 325, G replaced by T.
Molecular consequence: splice acceptor variant.
Genome position (GRCh38, 1-based): chr9:101,428,524, C>A on the plus strand (G>T on the coding strand, the complement: ALDOB is on the minus strand). VCF-style: chr9-101428524-C-A. GRCh37 (hg19) VCF-style: chr9-104190806-C-A.
Identifiers: ClinVar variation 1071688 (VCV001071688.10), dbSNP rs1402966846, ClinGen allele CA374265612.

ClinVar aggregate classification (germline): Pathogenic (1 of 4 stars; one submission).

Conditions:
Hereditary fructosuria. Also called: ALDOB DEFICIENCY; ALDOLASE B DEFICIENCY; FRUCTOSE-1,6-BISPHOSPHATE ALDOLASE B DEFICIENCY; FRUCTOSE-1-PHOSPHATE ALDOLASE DEFICIENCY; FRUCTOSEMIA; Fructose intolerance. Identifiers: Orphanet 469, MedGen C0016751, MONDO:0009249, OMIM 229600, HP:0005973. Disease mechanism: loss of function.

Submission:

Labcorp Genetics (formerly Invitae), Labcorp
Classification: Pathogenic for Hereditary fructosuria. Last evaluated: 2023-08-16. Review status: criteria provided, single submitter. Criteria: Invitae Variant Classification Sherloc (09022015). Collection method: clinical testing. Allele origin: germline.
Comment: This sequence change affects an acceptor splice site in intron 3 of the ALDOB gene. It is expected to disrupt RNA splicing. Variants that disrupt the donor or acceptor splice site typically lead to a loss of protein function (PMID: 16199547), and loss-of-function variants in ALDOB are known to be pathogenic (PMID: 18541450). This variant is not present in population databases (gnomAD no frequency). Disruption of this splice site has been observed in individual(s) with fructose intolerance (PMID: 15532022, 29095814). In at least one individual the data is consistent with being in trans (on the opposite chromosome) from a pathogenic variant. ClinVar contains an entry for this variant (Variation ID: 1071688). Algorithms developed to predict the effect of sequence changes on RNA splicing suggest that this variant may disrupt the consensus splice site. For these reasons, this variant has been classified as Pathogenic.

Literature cited by the submitters: PubMed 16199547; PubMed 18541450; PubMed 15532022; PubMed 29095814.